The following is an entry in ClinVar:

NM_014363.6(SACS):c.367G>T (p.Asp123Tyr)

Gene: SACS (sacsin molecular chaperone; minus strand). Cytogenetic location: 13q12.12.
Variant type: single nucleotide variant.
Coding change: c.367G>T on transcript NM_014363.6 (MANE Select); coding-DNA position 367, G replaced by T.
Protein change: p.Asp123Tyr; replaces aspartic acid 123 with tyrosine.
Molecular consequence: missense variant. On other transcripts: 5 prime UTR variant (1).
Genome position (GRCh38, 1-based): chr13:23,365,256, C>A on the plus strand (G>T on the coding strand, the complement: SACS is on the minus strand). VCF-style: chr13-23365256-C-A. GRCh37 (hg19) VCF-style: chr13-23939395-C-A.
Other names: c.-75G>T (NM_001278055.2); short protein forms D123Y.
Identifiers: ClinVar variation 2810342 (VCV002810342.3), dbSNP rs2542442742, ClinGen allele CA387552716.

ClinVar aggregate classification (germline): Uncertain significance (1 of 4 stars; one submission).

Conditions:
Spastic paraplegia. Identifiers: MedGen C0037772, HP:0001258.

Submission:

Labcorp Genetics (formerly Invitae), Labcorp
Classification: Uncertain significance for Spastic paraplegia. Last evaluated: 2022-11-09. Review status: criteria provided, single submitter. Criteria: Invitae Variant Classification Sherloc (09022015). Collection method: clinical testing. Allele origin: germline.
Comment: In summary, the available evidence is currently insufficient to determine the role of this variant in disease. Therefore, it has been classified as a Variant of Uncertain Significance. Advanced modeling of protein sequence and biophysical properties (such as structural, functional, and spatial information, amino acid conservation, physicochemical variation, residue mobility, and thermodynamic stability) has been performed at Invitae for this missense variant, however the output from this modeling did not meet the statistical confidence thresholds required to predict the impact of this variant on SACS protein function. This variant has not been reported in the literature in individuals affected with SACS-related conditions. This variant is not present in population databases (gnomAD no frequency). This sequence change replaces aspartic acid, which is acidic and polar, with tyrosine, which is neutral and polar, at codon 123 of the SACS protein (p.Asp123Tyr).